The following is an entry in ClinVar:

NM_015057.5(MYCBP2):c.11037-10G>A

Genes: MYCBP2 (MYC binding protein 2; minus strand), MYCBP2-AS1 (MYCBP2 antisense RNA 1; plus strand). Cytogenetic location: 13q22.3.
Variant type: single nucleotide variant.
Coding change: c.11037-10G>A on transcript NM_015057.5 (MANE Select); 10 bases into the intron before coding-DNA position 11037, G replaced by A.
Molecular consequence: intron variant.
Genome position (GRCh38, 1-based): chr13:77,082,003, C>T on the plus strand (G>A on the coding strand, the complement: MYCBP2 is on the minus strand). VCF-style: chr13-77082003-C-T. GRCh37 (hg19) VCF-style: chr13-77656138-C-T.
Identifiers: ClinVar variation 781108 (VCV000781108.6), dbSNP rs73541756, ClinGen allele CA7008198.

ClinVar aggregate classification (germline): Benign. Review status: criteria provided, multiple submitters, no conflicts (2 of 4 stars). 3 submissions from 3 submitters: Benign (2). 1 of the submissions does not count toward it. Last evaluated 2018-07-04.

Conditions:
MYCBP2-related disorder. Also called: MYCBP2-related condition.

Allele frequency attached by ClinVar (database versions not stated): 1000 Genomes Project 0.01398; ESP Exome Variant Server 0.01415; TOPMed 0.01450; 1000 Genomes Project 30x 0.01530.
gnomAD v4.1: 4,047 of 1,611,544 alleles (0.25%); highest among the groups gnomAD compares: African/African-American, 4.6%; 92 homozygotes.

Submissions (3):

Labcorp Genetics (formerly Invitae), Labcorp
Classification: Benign. Last evaluated: 2018-07-04. Review status: criteria provided, single submitter. Criteria: Invitae Variant Classification Sherloc (09022015). Collection method: clinical testing. Allele origin: germline.

Breakthrough Genomics
Classification: Benign. Review status: criteria provided, single submitter. Criteria: ACMG Guidelines, 2015. Collection method: not provided. Allele origin: germline. Inheritance: Unknown mechanism. Affected: yes.

PreventionGenetics, part of Exact Sciences
Classification: Benign for MYCBP2-related condition. Last evaluated: 2019-02-19. Review status: no assertion criteria provided. Collection method: clinical testing. Allele origin: germline. Not counted in ClinVar's aggregate classification.
Comment: This variant is classified as benign based on ACMG/AMP sequence variant interpretation guidelines (Richards et al. 2015 PMID: 25741868, with internal and published modifications).